The following is an entry in ClinVar:

NM_000452.3(SLC10A2):c.533T>C (p.Ile178Thr)

Gene: SLC10A2 (solute carrier family 10 member 2; minus strand). Cytogenetic location: 13q33.1.
Variant type: single nucleotide variant.
Coding change: c.533T>C on transcript NM_000452.3 (MANE Select); coding-DNA position 533, T replaced by C.
Protein change: p.Ile178Thr; replaces isoleucine 178 with threonine.
Molecular consequence: missense variant.
Genome position (GRCh38, 1-based): chr13:103,052,672, A>G on the plus strand (T>C on the coding strand, the complement: SLC10A2 is on the minus strand). VCF-style: chr13-103052672-A-G. GRCh37 (hg19) VCF-style: chr13-103705022-A-G.
Other names: short protein forms I178T.
Identifiers: ClinVar variation 1966474 (VCV001966474.5), dbSNP rs769577812, ClinGen allele CA255205591.

ClinVar aggregate classification (germline): Uncertain significance (1 of 4 stars; one submission).

Allele frequency attached by ClinVar (database versions not stated): gnomAD exomes 0.00001; TOPMed 0.00002.
gnomAD v4.1: 11 of 1,612,582 alleles (0.00068%); highest among the groups gnomAD compares: East Asian, 0.0045%; no homozygotes.

Submission:

Labcorp Genetics (formerly Invitae), Labcorp
Classification: Uncertain significance. Last evaluated: 2022-09-02. Review status: criteria provided, single submitter. Criteria: Invitae Variant Classification Sherloc (09022015). Collection method: clinical testing. Allele origin: germline.
Comment: This variant has not been reported in the literature in individuals affected with SLC10A2-related conditions. This variant is present in population databases (rs769577812, gnomAD 0.003%). This sequence change replaces isoleucine, which is neutral and non-polar, with threonine, which is neutral and polar, at codon 178 of the SLC10A2 protein (p.Ile178Thr). Algorithms developed to predict the effect of missense changes on protein structure and function are either unavailable or do not agree on the potential impact of this missense change (SIFT: "Tolerated"; PolyPhen-2: "Possibly Damaging"; Align-GVGD: "Class C0"). In summary, the available evidence is currently insufficient to determine the role of this variant in disease. Therefore, it has been classified as a Variant of Uncertain Significance.